The following is an entry in ClinVar:

NM_000321.3(RB1):c.2224G>A (p.Val742Ile)

Gene: RB1 (RB transcriptional corepressor 1; plus strand). Cytogenetic location: 13q14.2.
Variant type: single nucleotide variant.
Coding change: c.2224G>A on transcript NM_000321.3 (MANE Select); coding-DNA position 2224, G replaced by A.
Protein change: p.Val742Ile; replaces valine 742 with isoleucine.
Molecular consequence: missense variant.
Genome position (GRCh38, 1-based): chr13:48,465,010, G>A. VCF-style: chr13-48465010-G-A. GRCh37 (hg19) VCF-style: chr13-49039146-G-A.
Other names: c.2224G>A, p.Val742Ile (NM_001407165.1); short protein forms V742I.
Identifiers: ClinVar variation 3313080 (VCV003313080.1).

ClinVar aggregate classification (germline): Uncertain significance (1 of 4 stars; one submission).

Conditions:
Hereditary cancer-predisposing syndrome. Also called: Neoplastic Syndromes, Hereditary; Tumor predisposition; Hereditary neoplastic syndrome; Hereditary Cancer Syndrome. Identifiers: Orphanet 140162, MedGen C0027672, MeSH D009386, MONDO:0015356.

Submission:

Ambry Genetics
Classification: Uncertain significance for Hereditary cancer-predisposing syndrome. Last evaluated: 2024-06-22. Review status: criteria provided, single submitter. Criteria: Ambry Variant Classification Scheme 2023. Collection method: clinical testing. Allele origin: germline.
Comment: The p.V742I variant (also known as c.2224G>A), located in coding exon 22 of the RB1 gene, results from a G to A substitution at nucleotide position 2224. The valine at codon 742 is replaced by isoleucine, an amino acid with highly similar properties. This amino acid position is conserved. In addition, the in silico prediction for this alteration is inconclusive. Based on the available evidence, the clinical significance of this variant remains unclear.